The following is an entry in ClinVar:

ClinVar aggregate classification (germline): Uncertain significance (1 of 4 stars; one submission).

Conditions:
Primary ciliary dyskinesia 6. Also called: Primary Ciliary Dyskinesia 6: TXNDC3-Related Primary Ciliary Dyskinesia. Identifiers: Orphanet 244, MedGen C1970506, MONDO:0012571, OMIM 610852.

Allele frequency attached by ClinVar (database versions not stated): gnomAD exomes below 0.00001; TOPMed below 0.00001; gnomAD 0.00001.
gnomAD v4.1: 3 of 1,610,406 alleles (0.00019%); highest among the groups gnomAD compares: Non-Finnish European, 0.00025%; no homozygotes.

Submission:

Labcorp Genetics (formerly Invitae), Labcorp
Classification: Uncertain significance for Primary ciliary dyskinesia 6. Last evaluated: 2023-04-12. Review status: criteria provided, single submitter. Criteria: Invitae Variant Classification Sherloc (09022015). Collection method: clinical testing. Allele origin: germline.
Comment: In summary, the available evidence is currently insufficient to determine the role of this variant in disease. Therefore, it has been classified as a Variant of Uncertain Significance. Advanced modeling of protein sequence and biophysical properties (such as structural, functional, and spatial information, amino acid conservation, physicochemical variation, residue mobility, and thermodynamic stability) performed at Invitae indicates that this missense variant is expected to disrupt NME8 protein function. This variant has not been reported in the literature in individuals affected with NME8-related conditions. This variant is not present in population databases (gnomAD no frequency). This sequence change replaces proline, which is neutral and non-polar, with alanine, which is neutral and non-polar, at codon 84 of the NME8 protein (p.Pro84Ala).

NM_016616.5(NME8):c.250C>G (p.Pro84Ala)

Gene: NME8 (NME/NM23 family member 8; plus strand). Cytogenetic location: 7p14.1.
Variant type: single nucleotide variant.
Coding change: c.250C>G on transcript NM_016616.5 (MANE Select); coding-DNA position 250, C replaced by G.
Protein change: p.Pro84Ala; replaces proline 84 with alanine.
Molecular consequence: missense variant.
Genome position (GRCh38, 1-based): chr7:37,857,325, C>G. VCF-style: chr7-37857325-C-G. GRCh37 (hg19) VCF-style: chr7-37896927-C-G.
Other names: short protein forms P84A.
Identifiers: ClinVar variation 2745433 (VCV002745433.3), dbSNP rs746168002, ClinGen allele CA367220192.
Genomic context (GRCh38, chr7:37,857,325, plus strand): 5'-TTTTTCCAGGCAGAAGCTGACAACATTGTGACTTTGCAGCCATTTAGAGATAAATGTGAA[C>G]CTGTTTTTCTCTTTAGTGTTGTAAGTATATTTACTTTCTCAATTGCATTATCAGATTCCA-3'
Protein context (NP_057700.3, residues 74-94): TLQPFRDKCE[Pro84Ala]VFLFSVNGKI